The following is an entry in ClinVar:

NM_000388.4(CASR):c.2435T>C (p.Leu812Pro)

Gene: CASR (calcium sensing receptor; plus strand). Cytogenetic location: 3q21.1.
Variant type: single nucleotide variant.
Coding change: c.2435T>C on transcript NM_000388.4 (MANE Select); coding-DNA position 2435, T replaced by C.
Protein change: p.Leu812Pro; replaces leucine 812 with proline.
Molecular consequence: missense variant.
Genome position (GRCh38, 1-based): chr3:122,284,389, T>C. VCF-style: chr3-122284389-T-C. GRCh37 (hg19) VCF-style: chr3-122003236-T-C.
Other names: c.2465T>C, p.Leu822Pro (NM_001178065.2); short protein forms L812P, L822P.
Identifiers: ClinVar variation 35791 (VCV000035791.3), dbSNP rs193922435, ClinGen allele CA213586.
Genomic context (GRCh38, chr3:122,284,389, plus strand): 5'-TCAAGTCCCGGAAGCTGCCGGAGAACTTCAATGAAGCCAAGTTCATCACCTTCAGCATGC[T>C]CATCTTCTTCATCGTCTGGATCTCCTTCATTCCAGCCTATGCCAGCACCTATGGCAAGTT-3'
Protein context (NP_000379.3, residues 802-822): NEAKFITFSM[Leu812Pro]IFFIVWISFI

ClinVar aggregate classification (germline): Likely pathogenic (1 of 4 stars; one submission).

Conditions:
Familial hypocalciuric hypercalcemia (FHH). Also called: Familial benign hypercalcemia. Identifiers: Orphanet 405, MedGen C1809471, MONDO:0018458.

Submission:

Women's Health and Genetics/Laboratory Corporation of America, LabCorp
Classification: Likely pathogenic for Familial Hypocalciuric Hypercalcemia. Last evaluated: 2011-08-18. Review status: criteria provided, single submitter. Criteria: LabCorp Variant Classification Summary - May 2015. Collection method: curation, clinical testing. Allele origin: germline. Inheritance: autosomal unknown. Affected: yes.
ClinVar note: Converted during submission from likely pathogenic to Likely pathogenic.